The following is an entry in ClinVar:

NM_006218.4(PIK3CA):c.1985G>T (p.Arg662Met)

Gene: PIK3CA (phosphatidylinositol-4,5-bisphosphate 3-kinase catalytic subunit alpha; plus strand). Cytogenetic location: 3q26.32.
Variant type: single nucleotide variant.
Coding change: c.1985G>T on transcript NM_006218.4 (MANE Select); coding-DNA position 1985, G replaced by T.
Protein change: p.Arg662Met; replaces arginine 662 with methionine.
Molecular consequence: missense variant.
Genome position (GRCh38, 1-based): chr3:179,220,022, G>T. VCF-style: chr3-179220022-G-T. GRCh37 (hg19) VCF-style: chr3-178937810-G-T.
Other names: short protein forms R662M.
Identifiers: ClinVar variation 4136795 (VCV004136795.1).
Genomic context (GRCh38, chr3:179,220,022, plus strand): 5'-AACAATATTTGGATAACTTGCTTGTGAGATTTTTACTGAAGAAAGCATTGACTAATCAAA[G>T]GATTGGGCACTTTTTCTTTTGGCATTTAAAGTAAGTCTAATTATTTTCCCATTAAATTCT-3'
Protein context (NP_006209.2, residues 652-672): FLLKKALTNQ[Arg662Met]IGHFFFWHLK

ClinVar aggregate classification (germline): Uncertain significance (1 of 4 stars; one submission).

Conditions:
Inborn genetic diseases. Identifiers: MedGen C0950123, MeSH D030342.

Submission:

Ambry Genetics
Classification: Uncertain significance for Inborn genetic diseases. Last evaluated: 2025-08-01. Review status: criteria provided, single submitter. Criteria: Ambry Variant Classification Scheme 2023. Collection method: clinical testing. Allele origin: germline.
Comment: The p.R662M variant (also known as c.1985G>T), located in coding exon 12 of the PIK3CA gene, results from a G to T substitution at nucleotide position 1985. The arginine at codon 662 is replaced by methionine, an amino acid with similar properties. This amino acid position is conserved. In addition, this alteration is predicted to be deleterious by in silico analysis. Based on the available evidence, the clinical significance of this variant remains unclear.